The following is an entry in ClinVar:

ClinVar aggregate classification (germline): Uncertain significance (1 of 4 stars; one submission).

gnomAD v4.1: 5 of 1,614,090 alleles (0.00031%); highest among the groups gnomAD compares: Non-Finnish European, 0.00042%; no homozygotes.

Submission:

GeneDx
Classification: Uncertain significance. Last evaluated: 2025-10-07. Review status: criteria provided, single submitter. Criteria: GeneDx Variant Classification Process June 2021. Collection method: clinical testing. Allele origin: germline.
Comment: Not observed at significant frequency in large population cohorts (gnomAD); In silico analysis suggests that this missense variant does not alter protein structure/function; Has not been previously published as pathogenic or benign to our knowledge

NM_003466.4(PAX8):c.55G>A (p.Ala19Thr)

Genes: PAX8 (paired box 8; minus strand), PAX8-AS1 (PAX8 antisense RNA 1; plus strand). Cytogenetic location: 2q14.1.
Variant type: single nucleotide variant.
Coding change: c.55G>A on transcript NM_003466.4 (MANE Select); coding-DNA position 55, G replaced by A.
Protein change: p.Ala19Thr; replaces alanine 19 with threonine.
Molecular consequence: missense variant.
Genome position (GRCh38, 1-based): chr2:113,246,890, C>T on the plus strand (G>A on the coding strand, the complement: PAX8 is on the minus strand). VCF-style: chr2-113246890-C-T. GRCh37 (hg19) VCF-style: chr2-114004467-C-T.
Other names: c.55G>A, p.Ala19Thr (NM_013952.4, NM_013953.4, NM_013992.4); short protein forms A19T.
Identifiers: ClinVar variation 3603246 (VCV003603246.2).
Genomic context (GRCh38, chr2:113,246,890, plus strand): 5'-GGGCCAGGTCTACGATGCGCTGGCGGACCACTTCCGGCAGAGGTCTGCCATTCACAAAGG[C>T]CCCTCCCAGCTGGTTCAGCCCTCCATGGCCTAAGGAGACAATATTCCCAGGGACAGCTGT-3'
Protein context (NP_003457.1, residues 9-29): GHGGLNQLGG[Ala19Thr]FVNGRPLPEV